The following is an entry in ClinVar:

NM_000512.5(GALNS):c.1339G>A (p.Asp447Asn)

Gene: GALNS (galactosamine (N-acetyl)-6-sulfatase; minus strand). Cytogenetic location: 16q24.3.
Variant type: single nucleotide variant.
Coding change: c.1339G>A on transcript NM_000512.5 (MANE Select); coding-DNA position 1339, G replaced by A.
Protein change: p.Asp447Asn; replaces aspartic acid 447 with asparagine.
Molecular consequence: missense variant.
Genome position (GRCh38, 1-based): chr16:88,822,614, C>T on the plus strand (G>A on the coding strand, the complement: GALNS is on the minus strand). VCF-style: chr16-88822614-C-T. GRCh37 (hg19) VCF-style: chr16-88889022-C-T.
Other names: c.1339G>A (NM_000512.4); c.784G>A, p.Asp262Asn (NM_001323543.2); c.1357G>A, p.Asp453Asn (NM_001323544.2); short protein forms D447N, D262N, D453N.
Identifiers: ClinVar variation 2823297 (VCV002823297.5), dbSNP rs1910352953, ClinGen allele CA397096035.

ClinVar aggregate classification (germline): Pathogenic/Likely pathogenic. Review status: criteria provided, multiple submitters, no conflicts (2 of 4 stars). 3 submissions from 3 submitters: Pathogenic (1); Likely pathogenic (2). Last evaluated 2025-02-26.

Conditions:
Morquio syndrome. Also called: Mucopolysaccharidosis, Type IV; MPS IV; Mucopolysaccharidosis type 4; Eccentrochondrodysplasia. Identifiers: Orphanet 582, MedGen C0026707, MONDO:0018938.
Mucopolysaccharidosis, MPS-IV-A (MPS4A). Also called: Morquio syndrome A, mild; MORQUIO SYNDROME A; GALACTOSAMINE-6-SULFATASE DEFICIENCY; GALNS DEFICIENCY; MORQUIO A DISEASE; Mucopolysaccharidosis type IV A. Identifiers: Orphanet 309297, Orphanet 582, MedGen C0086651, MONDO:0009659, OMIM 253000.

Submissions (3):

Women's Health and Genetics/Laboratory Corporation of America, LabCorp
Classification: Likely pathogenic for Morquio syndrome. Last evaluated: 2025-02-26. Review status: criteria provided, single submitter. Criteria: LabCorp Variant Classification Summary - May 2015. Collection method: clinical testing. Allele origin: germline.
Comment: Variant summary: GALNS c.1339G>A (p.Asp447Asn) results in a conservative amino acid change in the encoded protein sequence. Three of five in-silico tools predict a benign effect of the variant on protein function. The variant was absent in 249854 control chromosomes. c.1339G>A has been reported in the literature in individuals affected with Mucopolysaccharidosis Type IVA (Morquio Syndrome A), including as homozygous or unreported genotypes (e.g. Almeida_2022, Khan_2024, Labcorp (formerly Invitae)). These data indicate that the variant is likely to be associated with disease. To our knowledge, no experimental evidence demonstrating an impact on protein function has been reported. The following publications have been ascertained in the context of this evaluation (PMID: 35614200, 38774940). ClinVar contains an entry for this variant (Variation ID: 2823297). Based on the evidence outlined above, the variant was classified as likely pathogenic.

GeneDx
Classification: Likely pathogenic. Last evaluated: 2024-07-29. Review status: criteria provided, single submitter. Criteria: GeneDx Variant Classification Process June 2021. Collection method: clinical testing. Allele origin: germline. Affected: yes.
Comment: Reported as c.1357G>A, p.(Asp453Asn) in an alternate transcript in a patient with abnormal enzyme studies suspected of having an inherited metabolic disease; it is unclear if a second GALNS variant was identified, and specific clinical information was not provided (PMID: 35614200); Not observed at significant frequency in large population cohorts (gnomAD); In silico analysis supports that this missense variant has a deleterious effect on protein structure/function; This variant is associated with the following publications: (PMID: 38774940, 35614200)

Labcorp Genetics (formerly Invitae), Labcorp
Classification: Pathogenic for Mucopolysaccharidosis, MPS-IV-A. Last evaluated: 2023-07-17. Review status: criteria provided, single submitter. Criteria: Invitae Variant Classification Sherloc (09022015). Collection method: clinical testing. Allele origin: germline.
Comment: For these reasons, this variant has been classified as Pathogenic. Advanced modeling of protein sequence and biophysical properties (such as structural, functional, and spatial information, amino acid conservation, physicochemical variation, residue mobility, and thermodynamic stability) performed at Invitae indicates that this missense variant is expected to disrupt GALNS protein function. This missense change has been observed in individual(s) with mucopolysaccharidosis type IVA (Invitae). This variant is not present in population databases (gnomAD no frequency). This sequence change replaces aspartic acid, which is acidic and polar, with asparagine, which is neutral and polar, at codon 447 of the GALNS protein (p.Asp447Asn).

Literature cited by the submitters: PubMed 35614200 (cited by Women's Health and Genetics/Laboratory Corporation of America, LabCorp); PubMed 38774940 (cited by Women's Health and Genetics/Laboratory Corporation of America, LabCorp).